The following is an entry in ClinVar:

ClinVar aggregate classification (germline): Conflicting classifications of pathogenicity. Review status: criteria provided, conflicting classifications (1 of 4 stars). 3 submissions from 3 submitters: Uncertain significance (2); Likely benign (1). Last evaluated 2024-03-04.

Conditions:
Inborn genetic diseases. Identifiers: MedGen C0950123, MeSH D030342.
Alpha thalassemia-X-linked intellectual disability syndrome (ATRX). Also called: ALPHA-THALASSEMIA/MENTAL RETARDATION SYNDROME, X-LINKED; ATR, NONDELETION TYPE; X-linked alpha-thalassemia-mental retardation syndrome; ATR-X syndrome; Alpha thalassemia mental retardation syndrome, nondeletion type, X-linked; XLMR hypotonic face syndrome. Identifiers: Orphanet 847, MedGen C1845055, MONDO:0010519, OMIM 301040.

gnomAD v4.1: 2 of 1,210,137 alleles (0.00017%); highest among the groups gnomAD compares: Non-Finnish European, 0.00011%; no homozygotes.

Submissions (3):

Labcorp Genetics (formerly Invitae), Labcorp
Classification: Likely benign for Alpha thalassemia-X-linked intellectual disability syndrome. Last evaluated: 2024-03-04. Review status: criteria provided, single submitter. Criteria: Invitae Variant Classification Sherloc (09022015). Collection method: clinical testing. Allele origin: germline.

GeneDx
Classification: Uncertain significance. Last evaluated: 2024-02-08. Review status: criteria provided, single submitter. Criteria: GeneDx Variant Classification Process June 2021. Collection method: clinical testing. Allele origin: germline. Affected: yes.
Comment: In silico analysis supports that this missense variant does not alter protein structure/function; Has not been previously published as a pathogenic or benign germline variant to our knowledge; This variant is associated with the following publications: (PMID: 25231023, 36138078)

Ambry Genetics
Classification: Uncertain significance for Inborn genetic diseases. Last evaluated: 2018-07-27. Review status: criteria provided, single submitter. Criteria: Ambry Variant Classification Scheme 2023. Collection method: clinical testing. Allele origin: germline.
Comment: The p.R1093M variant (also known as c.3278G>T), located in coding exon 9 of the ATRX gene, results from a G to T substitution at nucleotide position 3278. The arginine at codon 1093 is replaced by methionine, an amino acid with similar properties. This amino acid position is well conserved in available vertebrate species. In addition, the in silico prediction for this alteration is inconclusive. Since supporting evidence is limited at this time, the clinical significance of this alteration remains unclear.

NM_000489.6(ATRX):c.3278G>T (p.Arg1093Met)

Gene: ATRX (ATRX chromatin remodeler; minus strand). Cytogenetic location: Xq21.1.
Variant type: single nucleotide variant.
Coding change: c.3278G>T on transcript NM_000489.6 (MANE Select); coding-DNA position 3278, G replaced by T.
Protein change: p.Arg1093Met; replaces arginine 1093 with methionine.
Molecular consequence: missense variant.
Genome position (GRCh38, 1-based): chrX:77,681,978, C>A on the plus strand (G>T on the coding strand, the complement: ATRX is on the minus strand). VCF-style: chrX-77681978-C-A. GRCh37 (hg19) VCF-style: chrX-76937470-C-A.
Other names: c.3164G>T, p.Arg1055Met (NM_138270.5); short protein forms R1055M, R1093M.
Identifiers: ClinVar variation 1729683 (VCV001729683.6), dbSNP rs1557137763, ClinGen allele CA413706974.